The following is an entry in ClinVar:

ClinVar aggregate classification (germline): Uncertain significance (1 of 4 stars; one submission).

Conditions:
Pan-Chung-Bellen syndrome. Identifiers: MedGen C5975547, MONDO:0975953, OMIM 621049.

Submission:

Juno Genomics, Hangzhou Juno Genomics, Inc
Classification: Uncertain significance for Pan-Chung-Bellen syndrome. Review status: criteria provided, single submitter. Criteria: ACMG Guidelines, 2015. Collection method: clinical testing. Allele origin: germline.
Comment: Absent from controls (or at extremely low frequency if recessive) in Genome Aggregation Database.;Missense variant in a gene that has a low rate of benign missense variation.

NM_015030.2(FRYL):c.3535A>G (p.Thr1179Ala)

Gene: FRYL (FRY like transcription coactivator; minus strand). Cytogenetic location: 4p11.
Variant type: single nucleotide variant.
Coding change: c.3535A>G on transcript NM_015030.2 (MANE Select); coding-DNA position 3535, A replaced by G.
Protein change: p.Thr1179Ala; replaces threonine 1179 with alanine.
Molecular consequence: missense variant.
Genome position (GRCh38, 1-based): chr4:48,564,009, T>C on the plus strand (A>G on the coding strand, the complement: FRYL is on the minus strand). VCF-style: chr4-48564009-T-C. GRCh37 (hg19) VCF-style: chr4-48566026-T-C.
Other names: short protein forms T1179A.
Identifiers: ClinVar variation 5006772 (VCV005006772.2).